The following is an entry in ClinVar:

ClinVar aggregate classification (germline): Likely benign (1 of 4 stars; one submission).

Allele frequency attached by ClinVar (database versions not stated): 1000 Genomes Project 0.00180; 1000 Genomes Project 30x 0.00219; ExAC 0.00237; gnomAD 0.00277; TOPMed 0.00295; ESP Exome Variant Server 0.00377; gnomAD exomes 0.00407.
gnomAD v4.1: 6,346 of 1,614,132 alleles (0.39%); highest among the groups gnomAD compares: Non-Finnish European, 0.49%; 13 homozygotes.

Submission:

CeGaT Center for Human Genetics Tuebingen
Classification: Likely benign. Last evaluated: 2023-03-01. Review status: criteria provided, single submitter. Criteria: CeGaT Center For Human Genetics Tuebingen Variant Classification Criteria Version 2. Collection method: clinical testing. Allele origin: germline. Affected: yes. Observed: 1 variant allele.
Comment: CIMIP1: BP4, BP7

NM_178456.3(CIMIP1):c.297C>T (p.Ile99=)

Gene: CIMIP1 (ciliary microtubule inner protein 1; plus strand). Cytogenetic location: 20q13.32.
Variant type: single nucleotide variant.
Coding change: c.297C>T on transcript NM_178456.3 (MANE Select); coding-DNA position 297, C replaced by T.
Protein change: p.Ile99=; no amino-acid change (isoleucine 99 retained).
Molecular consequence: synonymous variant.
Genome position (GRCh38, 1-based): chr20:58,160,705, C>T. VCF-style: chr20-58160705-C-T. GRCh37 (hg19) VCF-style: chr20-56735761-C-T.
Identifiers: ClinVar variation 2652432 (VCV002652432.24), dbSNP rs61749694, ClinGen allele CA9923448.
Genomic context (GRCh38, chr20:58,160,705, plus strand): 5'-TGTATTTCCATTCCAGGTCTTTCCATCCCCCCCAGTCCCACAGACCACCCAGGGCTTCAT[C>T]GGCTGGAGATCTGCAGTGCCAGGCCTGAACAAGTGCCTAGAGCTCGACGATGCGATCAGA-3'
Protein context (NP_848551.1, residues 89-109): PPVPQTTQGF[Ile99=]GWRSAVPGLN